The following is an entry in ClinVar:

ClinVar aggregate classification (germline): Pathogenic (1 of 4 stars; one submission).

Conditions:
Galactosylceramide beta-galactosidase deficiency. Also called: Leukodystrophy, Globoid Cell; Krabbe Disease; GALACTOCEREBROSIDASE DEFICIENCY; GALC DEFICIENCY; GLOBOID CELL LEUKOENCEPHALOPATHY. Identifiers: Orphanet 487, MedGen C0023521, MONDO:0009499, OMIM 245200.

Submission:

Labcorp Genetics (formerly Invitae), Labcorp
Classification: Pathogenic for Galactosylceramide beta-galactosidase deficiency. Last evaluated: 2023-06-24. Review status: criteria provided, single submitter. Criteria: Invitae Variant Classification Sherloc (09022015). Collection method: clinical testing. Allele origin: germline.
Comment: For these reasons, this variant has been classified as Pathogenic. This variant has not been reported in the literature in individuals affected with GALC-related conditions. This variant is not present in population databases (gnomAD no frequency). This sequence change creates a premature translational stop signal (p.Glu231Serfs*20) in the GALC gene. It is expected to result in an absent or disrupted protein product. Loss-of-function variants in GALC are known to be pathogenic (PMID: 7437911, 9272171, 16607461).

Literature cited by the submitters: PubMed 7437911; PubMed 9272171; PubMed 16607461.

NM_000153.4(GALC):c.691del (p.Glu231fs)

Gene: GALC (galactosylceramidase; minus strand). Cytogenetic location: 14q31.3.
Variant type: Deletion.
Coding change: c.691del on transcript NM_000153.4 (MANE Select); coding-DNA position 691, one base deleted (G; older notation c.691delG).
Protein change: p.Glu231fs; shifts the reading frame from glutamic acid 231.
Molecular consequence: frameshift variant. On other transcripts: non-coding transcript variant (1).
Genome position (GRCh38, 1-based): chr14:87,976,419, C deleted on the plus strand (G on the coding strand, the reverse complement: GALC is on the minus strand); the first of 3 consecutive C bases (chr14:87,976,419-87,976,421); deleting any one gives the same sequence. VCF-style (leftmost placement, unchanged base first): chr14-87976418-TC-T. GRCh37 (hg19) VCF-style: chr14-88442762-TC-T.
Other names: c.622del, p.Glu208fs (NM_001201401.2); c.613del, p.Glu205fs (NM_001201402.2); c.523del, p.Glu175fs (NM_001424071.1, NM_001424072.1, NM_001424073.1); c.343del, p.Glu115fs (NM_001424074.1, NM_001424075.1); c.58del, p.Glu20fs (NM_001424076.1, NM_001424077.1); short protein forms E175fs, E20fs, E205fs, E231fs, E115fs, E208fs.
Identifiers: ClinVar variation 2727088 (VCV002727088.3), dbSNP rs2503476879, ClinGen allele CA2625960319.
Genomic context (GRCh38, chr14:87,976,418, plus strand): 5'-CCTATAACATCAACCACCTTGAAGAGTTCGGCATCAAGGAGCATGGATGCAGAGATGGAC[TC>T]CCAGAGATTATCACTTGCTATGATTTTCACTCGCTGGAGACCTTGATAATTCAGCATTTT-3'